The following is an entry in ClinVar:

NM_000016.6(ACADM):c.589A>G (p.Lys197Glu)

Gene: ACADM (acyl-CoA dehydrogenase medium chain; plus strand). Cytogenetic location: 1p31.1.
Variant type: single nucleotide variant.
Coding change: c.589A>G on transcript NM_000016.6 (MANE Select); coding-DNA position 589, A replaced by G.
Protein change: p.Lys197Glu; replaces lysine 197 with glutamic acid.
Molecular consequence: missense variant.
Genome position (GRCh38, 1-based): chr1:75,740,100, A>G. VCF-style: chr1-75740100-A-G. GRCh37 (hg19) VCF-style: chr1-76205785-A-G.
Other names: c.688A>G, p.Lys230Glu (NM_001286043.2); c.22A>G, p.Lys8Glu (NM_001286044.2); c.601A>G, p.Lys201Glu (NM_001127328.3); c.481A>G, p.Lys161Glu (NM_001286042.2); c.589A>G (NM_000016.5); short protein forms K161E, K197E, K201E, K230E, K8E.
Identifiers: ClinVar variation 1478499 (VCV001478499.9), dbSNP rs1199770829, ClinGen allele CA340815444.
Genomic context (GRCh38, chr1:75,740,100, plus strand): 5'-GAAAAGAAAGGAGATGAGTATATTATTAATGGTCAGAAGATGTGGATAACCAACGGAGGA[A>G]AAGCTAATTGGTATGTTGTTCAAAACATCTTTGTATATTTTTTCTTAATTGTTTTATCTT-3'
Protein context (NP_000007.1, residues 187-207): GQKMWITNGG[Lys197Glu]ANWYFLLARS

ClinVar aggregate classification (germline): Likely pathogenic. Review status: criteria provided, multiple submitters, no conflicts (2 of 4 stars). 3 submissions from 3 submitters: Likely pathogenic (3). Last evaluated 2025-06-26.

Conditions:
Medium-chain acyl-coenzyme A dehydrogenase deficiency (ACADMD). Also called: MCADD; MCAD Deficiency; ACADM DEFICIENCY; Medium chain acyl-CoA dehydrogenase deficiency; MCADH DEFICIENCY; CARNITINE DEFICIENCY SECONDARY TO MEDIUM-CHAIN ACYL-CoA DEHYDROGENASE DEFICIENCY. Identifiers: Orphanet 42, MedGen C0220710, MONDO:0008721, OMIM 201450.

Allele frequency attached by ClinVar (database versions not stated): gnomAD exomes below 0.00001.
gnomAD v4.1: 4 of 1,611,156 alleles (0.00025%); highest among the groups gnomAD compares: East Asian, 0.0067%; no homozygotes.

Submissions (3):

Natera, Inc.
Classification: Likely pathogenic for Medium Chain Acyl-CoA Dehydrogenase Deficiency. Last evaluated: 2025-06-26. Review status: criteria provided, single submitter. Criteria: Natera Variant Classification Schema (03/2026). Collection method: clinical testing. Allele origin: germline.
Comment: The c.589A>G variant in ACADM is a missense variant predicted to cause substitution of lysine to glutamic acid at amino acid 197. This variant is rare in the general population with a frequency below the threshold expected for the associated phenotype(s). This variant has been observed in one or more individuals affected with the associated recessive disease, as either homozygous or compound heterozygous with a second variant (PMID: 36096209, 31620161, 15171998). Given the available evidence, this variant is classified as Likely Pathogenic.

Baylor Genetics
Classification: Likely pathogenic for Medium-chain acyl-coenzyme A dehydrogenase deficiency. Last evaluated: 2024-02-25. Review status: criteria provided, single submitter. Criteria: ACMG Guidelines, 2015. Collection method: clinical testing. Allele origin: unknown.

Labcorp Genetics (formerly Invitae), Labcorp
Classification: Likely pathogenic for Medium-chain acyl-coenzyme A dehydrogenase deficiency. Last evaluated: 2024-01-31. Review status: criteria provided, single submitter. Criteria: Invitae Variant Classification Sherloc (09022015). Collection method: clinical testing. Allele origin: germline.
Comment: This sequence change replaces lysine, which is basic and polar, with glutamic acid, which is acidic and polar, at codon 197 of the ACADM protein (p.Lys197Glu). This variant is present in population databases (no rsID available, gnomAD 0.006%). This missense change has been observed in individual(s) with medium-chain acyl-coenzyme A dehydrogenase deficiency (PMID: 15171998, 20434380, 36068006, 36096209). In at least one individual the data is consistent with being in trans (on the opposite chromosome) from a pathogenic variant. This variant is also known as p.Lys172Glu. ClinVar contains an entry for this variant (Variation ID: 1478499). Advanced modeling of protein sequence and biophysical properties (such as structural, functional, and spatial information, amino acid conservation, physicochemical variation, residue mobility, and thermodynamic stability) performed at Invitae indicates that this missense variant is not expected to disrupt ACADM protein function with a negative predictive value of 80%. In summary, the currently available evidence indicates that the variant is pathogenic, but additional data are needed to prove that conclusively. Therefore, this variant has been classified as Likely Pathogenic.

Literature cited by the submitters: PubMed 36096209 (cited by Natera, Inc. and Labcorp Genetics (formerly Invitae), Labcorp); PubMed 31620161 (cited by Natera, Inc.); PubMed 15171998 (cited by Natera, Inc. and Labcorp Genetics (formerly Invitae), Labcorp); PubMed 20434380 (cited by Labcorp Genetics (formerly Invitae), Labcorp); PubMed 36068006 (cited by Labcorp Genetics (formerly Invitae), Labcorp).